The following is an entry in ClinVar:

NM_007129.5(ZIC2):c.1392_1397dup (p.Ala470_Val471insAlaAla)

Genes: ZIC2 (Zic family zinc finger 2; plus strand), LOC110008580 (Zic family member 2 polyalanine repeat instability region; plus strand). Cytogenetic location: 13q32.3.
Variant type: Duplication.
Coding change: c.1392_1397dup on transcript NM_007129.5 (MANE Select); coding-DNA positions 1392 to 1397, 6 bases duplicated (TGCGGC; older notation c.1392_1397dupTGCGGC).
Protein change: p.Ala470_Val471insAlaAla.
Molecular consequence: inframe insertion.
Genome position (GRCh38, 1-based): chr13:99,985,475-99,985,480, TGCGGC duplicated; duplicating any 6 consecutive bases within chr13:99,985,470-99,985,480 gives the same sequence; the c. name uses the placement nearest the transcript's 3' end. VCF-style (leftmost placement, unchanged base first): chr13-99985469-G-GGCGGCT. GRCh37 (hg19) VCF-style: chr13-100637723-G-GGCGGCT.
Identifiers: ClinVar variation 2768833 (VCV002768833.3), dbSNP rs751975519, ClinGen allele CA7032993.
Genomic context (GRCh38, chr13:99,985,469, plus strand): 5'-CCCCAGCGCCGAGCCCCAGAGCAGCTCCAACCTGTCCCCAGCGGCGGCGGCAGCGGCGGC[G>GGCGGCT]GCGGCTGCGGCGGCGGCGGCCGCGGTGTCCGCGGTGCACCGGGGCGGAGGCTCGGGCAGT-3'

ClinVar aggregate classification (germline): Uncertain significance (1 of 4 stars; one submission).

Conditions:
Holoprosencephaly 5 (HPE5). Identifiers: Orphanet 2162, MedGen C1864827, MONDO:0012322, OMIM 609637.

Submission:

Labcorp Genetics (formerly Invitae), Labcorp
Classification: Uncertain significance for Holoprosencephaly 5. Last evaluated: 2025-07-14. Review status: criteria provided, single submitter. Criteria: Invitae Variant Classification Sherloc (09022015). Collection method: clinical testing. Allele origin: germline.
Comment: This variant, c.1392_1397dup, results in the insertion of 2 amino acid(s) of the ZIC2 protein (p.Ala469_Ala470dup), but otherwise preserves the integrity of the reading frame. The frequency data for this variant in the population databases is considered unreliable, as metrics indicate poor data quality at this position in the gnomAD database. This variant has been observed in individual(s) with holoprosencephaly (PMID: 19955556, 22847929). ClinVar contains an entry for this variant (Variation ID: 2768833). Experimental studies and prediction algorithms are not available or were not evaluated, and the functional significance of this variant is currently unknown. In summary, the available evidence is currently insufficient to determine the role of this variant in disease. Therefore, it has been classified as a Variant of Uncertain Significance.

Literature cited by the submitters: PubMed 19955556; PubMed 22847929.